The following is an entry in ClinVar:

NM_000169.3(GLA):c.639+18G>A

Genes: GLA (galactosidase alpha; minus strand), RPL36A-HNRNPH2 (RPL36A-HNRNPH2 readthrough; plus strand). Cytogenetic location: Xq22.1.
Variant type: single nucleotide variant.
Coding change: c.639+18G>A on transcript NM_000169.3 (MANE Select); 18 bases into the intron after coding-DNA position 639, G replaced by A.
Molecular consequence: intron variant.
Genome position (GRCh38, 1-based): chrX:101,400,648, C>T on the plus strand (G>A on the coding strand, the complement: GLA is on the minus strand). VCF-style: chrX-101400648-C-T. GRCh37 (hg19) VCF-style: chrX-100655636-C-T.
Other names: c.300+5191C>T (NM_001199973.2); c.177+8826C>T (NM_001199974.2); c.762+18G>A (NM_001406747.1); c.639+18G>A (NM_001406748.1).
Identifiers: ClinVar variation 1284295 (VCV001284295.20), dbSNP rs189319122, ClinGen allele CA031608.

ClinVar aggregate classification (germline): Benign/Likely benign. Review status: criteria provided, multiple submitters, no conflicts (2 of 4 stars). 9 submissions from 9 submitters: Benign (4); Likely benign (2). 3 of the submissions do not count toward it. Last evaluated 2026-09-08.

Conditions:
Fabry disease. Also called: GLA DEFICIENCY; HEREDITARY DYSTOPIC LIPIDOSIS; Angiokeratoma corporis diffusum; Ceramide trihexosidosis; Fabry's disease; ALPHA-GALACTOSIDASE A DEFICIENCY. Identifiers: Orphanet 324, MedGen C0002986, MONDO:0010526, OMIM 301500, HP:0001071. Disease mechanism: loss of function, Fabry disease is due to inactivating mutations in the X-linked GLA gene resulting in deficiency of the enzyme Alpha Galactosidase-A..
GLA-related disorder. Also called: GLA-related condition.

Allele frequency attached by ClinVar (database versions not stated): gnomAD exomes 0.00012 and 0.00026; ExAC 0.00037; ESP Exome Variant Server 0.00066; gnomAD 0.00085 and 0.00087; TOPMed 0.00093; 1000 Genomes Project 30x 0.00125; 1000 Genomes Project 0.00159.

Submissions (9):

Genomenon, Inc
Classification: Likely benign for Fabry disease. Last evaluated: 2026-09-08. Review status: criteria provided, single submitter. Criteria: Genomenon Sequence Variant Interpretation Standards - Updated. Collection method: curation. Allele origin: germline. Affected: no.
Comment: GLA c.639+18G>A is an intronic variant located in intron 4. This variant has been reported in the published literature (PMID:24829596). This variant is not predicted to impact splicing. This variant's allele frequency in gnomAD is greater than expected for this disorder. In conclusion, we classify GLA c.639+18G>A as a likely benign variant.

Labcorp Genetics (formerly Invitae), Labcorp
Classification: Benign for Fabry disease. Last evaluated: 2026-01-28. Review status: criteria provided, single submitter. Criteria: Invitae Variant Classification Sherloc (09022015). Collection method: clinical testing. Allele origin: germline.

Blueprint Genetics
Classification: Likely benign. Last evaluated: 2024-10-03. Review status: criteria provided, single submitter. Criteria: ACMG Guidelines, 2015. Collection method: clinical testing. Allele origin: germline.

ARUP Laboratories, Molecular Genetics and Genomics, ARUP Laboratories
Classification: Benign. Last evaluated: 2022-09-20. Review status: criteria provided, single submitter. Criteria: ARUP Molecular Germline Variant Investigation Process 2021. Collection method: clinical testing. Allele origin: germline.

Fulgent Genetics
Classification: Benign for Fabry disease. Last evaluated: 2021-11-11. Review status: criteria provided, single submitter. Criteria: ACMG Guidelines, 2015. Collection method: clinical testing. Allele origin: unknown.

GeneDx
Classification: Benign. Last evaluated: 2015-03-03. Review status: criteria provided, single submitter. Criteria: GeneDx Variant Classification Process June 2021. Collection method: clinical testing. Allele origin: germline. Affected: yes.

PreventionGenetics, part of Exact Sciences
Classification: Likely benign for GLA-related condition. Last evaluated: 2021-12-10. Review status: no assertion criteria provided. Collection method: clinical testing. Allele origin: germline. Not counted in ClinVar's aggregate classification.
Comment: This variant is classified as likely benign based on ACMG/AMP sequence variant interpretation guidelines (Richards et al. 2015 PMID: 25741868, with internal and published modifications).

Clinical Genetics, Academic Medical Center
Classification: Benign. Review status: no assertion criteria provided. Collection method: clinical testing. Allele origin: germline. Affected: yes. Study: VKGL Data-share Consensus. Not counted in ClinVar's aggregate classification.

Joint Genome Diagnostic Labs from Nijmegen and Maastricht, Radboudumc and MUMC+
Classification: Likely benign. Review status: no assertion criteria provided. Collection method: clinical testing. Allele origin: germline. Affected: yes. Study: VKGL Data-share Consensus. Not counted in ClinVar's aggregate classification.

Literature cited by the submitters: PubMed 24829596 (cited by Genomenon, Inc).